The following is an entry in ClinVar:

NM_000135.4(FANCA):c.1561dup (p.Leu521fs)

Gene: FANCA (FA complementation group A; minus strand). Cytogenetic location: 16q24.3.
Variant type: Duplication.
Coding change: c.1561dup on transcript NM_000135.4 (MANE Select); coding-DNA position 1561, one base duplicated (C; older notation c.1561dupC).
Protein change: p.Leu521fs; shifts the reading frame from leucine 521.
Molecular consequence: frameshift variant.
Genome position (GRCh38, 1-based): chr16:89,783,012, G duplicated on the plus strand (C on the coding strand, the reverse complement: FANCA is on the minus strand); the first of 2 consecutive G bases (chr16:89,783,012-89,783,013); duplicating either gives the same sequence. VCF-style (leftmost placement, unchanged base first): chr16-89783011-A-AG. GRCh37 (hg19) VCF-style: chr16-89849419-A-AG.
Other names: c.1561dup, p.Leu521fs (NM_001286167.3); short protein forms L521fs.
Identifiers: ClinVar variation 4817513 (VCV004817513.1).

ClinVar aggregate classification (germline): Likely pathogenic (1 of 4 stars; one submission).

Conditions:
Fanconi anemia (FA). Also called: Fanconi's anemia. Identifiers: Orphanet 84, MedGen C0015625, MeSH D005199, MONDO:0019391.

Submission:

Natera, Inc.
Classification: Likely pathogenic for Fanconi anemia. Last evaluated: 2025-09-12. Review status: criteria provided, single submitter. Criteria: Natera Variant Classification Schema (03/2026). Collection method: clinical testing. Allele origin: germline.
Comment: The c.1561dup variant in FANCA is a frameshift variant predicted to shift the reading frame beginning at codon 521 and leads to a stop codon 22 codons downstream. This variant is expected to result in nonsense mediated decay, truncation, or a dysfunctional protein product. This variant is rare in the general population with a frequency below the threshold expected for the associated phenotype(s). Given the available evidence, this variant is classified as Likely Pathogenic.